The following is an entry in ClinVar:

NM_205836.3(FBXO38):c.3265A>C (p.Thr1089Pro)

Gene: FBXO38 (F-box protein 38; plus strand). Cytogenetic location: 5q32.
Variant type: single nucleotide variant.
Coding change: c.3265A>C on transcript NM_205836.3 (MANE Select); coding-DNA position 3265, A replaced by C.
Protein change: p.Thr1089Pro; replaces threonine 1089 with proline.
Molecular consequence: missense variant.
Genome position (GRCh38, 1-based): chr5:148,440,518, A>C. VCF-style: chr5-148440518-A-C. GRCh37 (hg19) VCF-style: chr5-147820081-A-C.
Other names: c.2530A>C, p.Thr844Pro (NM_001271723.2); c.3040A>C, p.Thr1014Pro (NM_030793.5); short protein forms T1014P, T1089P, T844P.
Identifiers: ClinVar variation 1432655 (VCV001432655.6), dbSNP rs1049321456, ClinGen allele CA361661219.

ClinVar aggregate classification (germline): Uncertain significance (1 of 4 stars; one submission).

Conditions:
Distal hereditary motor neuropathy type 2. Identifiers: Orphanet 139525, MedGen C3711384, MeSH C580044, MONDO:0015352.

Allele frequency attached by ClinVar (database versions not stated): TOPMed 0.00001.
gnomAD v4.1: 3 of 1,585,296 alleles (0.00019%); highest among the groups gnomAD compares: Non-Finnish European, 0.00026%; no homozygotes.

Submission:

Labcorp Genetics (formerly Invitae), Labcorp
Classification: Uncertain significance for Distal hereditary motor neuropathy type 2. Last evaluated: 2021-08-05. Review status: criteria provided, single submitter. Criteria: Invitae Variant Classification Sherloc (09022015). Collection method: clinical testing. Allele origin: germline.
Comment: In summary, the available evidence is currently insufficient to determine the role of this variant in disease. Therefore, it has been classified as a Variant of Uncertain Significance. Algorithms developed to predict the effect of missense changes on protein structure and function are either unavailable or do not agree on the potential impact of this missense change (SIFT: "Deleterious"; PolyPhen-2: "Probably Damaging"; Align-GVGD: "Class C0"). This variant has not been reported in the literature in individuals affected with FBXO38-related conditions. This variant is not present in population databases (ExAC no frequency). This sequence change replaces threonine with proline at codon 1014 of the FBXO38 protein (p.Thr1014Pro). The threonine residue is highly conserved and there is a small physicochemical difference between threonine and proline.